The following is an entry in ClinVar:

ClinVar aggregate classification (germline): Uncertain significance. Review status: criteria provided, multiple submitters, no conflicts (2 of 4 stars). 3 submissions from 3 submitters: Uncertain significance (3). Last evaluated 2025-06-13.

Conditions:
Cardiovascular phenotype. Identifiers: MedGen CN230736.
Long QT syndrome 11 (LQT11). Identifiers: Orphanet 101016, Orphanet 768, MedGen C2678483, MONDO:0012738, OMIM 611820.

Allele frequency attached by ClinVar (database versions not stated): ExAC 0.00001; gnomAD 0.00001 and 0.00002; gnomAD exomes 0.00001 and 0.00002; TOPMed 0.00001.
gnomAD v4.1: 10 of 1,613,562 alleles (0.00062%); highest among the groups gnomAD compares: Non-Finnish European, 0.00085%; no homozygotes.

Submissions (3):

Ambry Genetics
Classification: Uncertain significance for Cardiovascular phenotype. Last evaluated: 2025-06-13. Review status: criteria provided, single submitter. Criteria: Ambry Variant Classification Scheme 2023. Collection method: clinical testing. Allele origin: germline.
Comment: The p.R3193G variant (also known as c.9577A>G), located in coding exon 39 of the AKAP9 gene, results from an A to G substitution at nucleotide position 9577. The arginine at codon 3193 is replaced by glycine, an amino acid with dissimilar properties. This amino acid position is highly conserved in available vertebrate species. In addition, this alteration is predicted to be tolerated by in silico analysis. The evidence for this gene-disease relationship is limited; therefore, the clinical significance of this alteration is unclear.

Fulgent Genetics
Classification: Uncertain significance for Long QT syndrome 11. Last evaluated: 2021-07-02. Review status: criteria provided, single submitter. Criteria: ACMG Guidelines, 2015. Collection method: clinical testing. Allele origin: unknown.

Biesecker Lab/Clinical Genomics Section, National Institutes of Health
Classification: Uncertain significance. Last evaluated: 2013-06-24. Review status: criteria provided, single submitter. Criteria: Ng et al. (Circ Cardiovasc Genet. 2013). Collection method: research. Allele origin: unknown. Observed: 1 variant allele. Study: ClinSeq.
Comment: The study set was not selected for affection status in relation to any cancer. Pathogenicity categories were based on literature curation. See Pubmed ID:23861362 for details.

Medical sequencing

NM_005751.5(AKAP9):c.9577A>G (p.Arg3193Gly)

Gene: AKAP9 (A-kinase anchoring protein 9; plus strand). Cytogenetic location: 7q21.2.
Variant type: single nucleotide variant.
Coding change: c.9577A>G on transcript NM_005751.5 (MANE Select); coding-DNA position 9577, A replaced by G.
Protein change: p.Arg3193Gly; replaces arginine 3193 with glycine.
Molecular consequence: missense variant.
Genome position (GRCh38, 1-based): chr7:92,093,315, A>G. VCF-style: chr7-92093315-A-G. GRCh37 (hg19) VCF-style: chr7-91722629-A-G.
Other names: c.4222A>G, p.Arg1408Gly (NM_001379277.1); c.9553A>G, p.Arg3185Gly (NM_147185.3); short protein forms R3193G, R3185G, R1408G.
Identifiers: ClinVar variation 191395 (VCV000191395.3), dbSNP rs199762211, ClinGen allele CA236509.